The following is an entry in ClinVar:

ClinVar aggregate classification (germline): Pathogenic/Likely pathogenic. Review status: criteria provided, multiple submitters, no conflicts (2 of 4 stars). 3 submissions from 3 submitters: Pathogenic (1); Likely pathogenic (2). Last evaluated 2024-04-11.

Conditions:
Meier-Gorlin syndrome 7. Identifiers: Orphanet 2554, MedGen C4310738, MONDO:0014894, OMIM 617063. Disease mechanism: loss of function.

Allele frequency attached by ClinVar (database versions not stated): gnomAD exomes 0.00002 and 0.00003; TOPMed 0.00003; gnomAD 0.00004 and 0.00005; ExAC 0.00002.

Submissions (3):

SIB Swiss Institute of Bioinformatics
Classification: Likely pathogenic for Meier-Gorlin syndrome 7. Last evaluated: 2024-04-11. Review status: criteria provided, single submitter. Criteria: ACMG Guidelines, 2015. Collection method: curation. Allele origin: unknown. Inheritance: Autosomal recessive inheritance.
Comment: This variant is classified as likely pathogenic for Meier-Gorlin syndrome 7, based on the following evidence: this variant is found at low frequency in gnomAD (v.4) and no homozygotes are reported (PM2-supporting); it has been found in three patients, being in trans with a likely pathogenic/pathogenic variant in two of them (PMID: 27374770) (PM3-strong); all patients presented with the classical triad of Meier-Gorlin syndrome features that is short stature, microtia and absent or hypoplastic patellae (PP4); an assay in yeast indicates that the variant may affect function (PS3-supporting) (PMID: 29036220).

Labcorp Genetics (formerly Invitae), Labcorp
Classification: Pathogenic. Last evaluated: 2022-03-09. Review status: criteria provided, single submitter. Criteria: Invitae Variant Classification Sherloc (09022015). Collection method: clinical testing. Allele origin: germline.
Comment: This missense change has been observed in individual(s) with Meier-Gorlin syndrome (PMID: 27374770). In at least one individual the data is consistent with being in trans (on the opposite chromosome) from a pathogenic variant. This variant is present in population databases (rs751663397, gnomAD 0.01%). This sequence change replaces proline, which is neutral and non-polar, with leucine, which is neutral and non-polar, at codon 495 of the CDC45 protein (p.Pro495Leu). For these reasons, this variant has been classified as Pathogenic. Experimental studies have shown that this missense change affects CDC45 function (PMID: 29036220). Algorithms developed to predict the effect of missense changes on protein structure and function are either unavailable or do not agree on the potential impact of this missense change (SIFT: "Deleterious"; PolyPhen-2: "Probably Damaging"; Align-GVGD: "Class C0"). ClinVar contains an entry for this variant (Variation ID: 617938). This variant is also known as c.1388C>T, p.Pro463Leu.

Revvity Omics, Revvity
Classification: Likely pathogenic for Meier-Gorlin syndrome 7. Last evaluated: 2019-09-04. Review status: criteria provided, single submitter. Criteria: ACMG Guidelines, 2015. Collection method: clinical testing. Allele origin: germline.

Literature cited by the submitters: PubMed 27374770 (cited by SIB Swiss Institute of Bioinformatics and Labcorp Genetics (formerly Invitae), Labcorp); PubMed 29036220 (cited by SIB Swiss Institute of Bioinformatics and Labcorp Genetics (formerly Invitae), Labcorp).

NM_003504.5(CDC45):c.1388C>T (p.Pro463Leu)

Gene: CDC45 (cell division cycle 45; plus strand). Cytogenetic location: 22q11.21.
Variant type: single nucleotide variant.
Coding change: c.1388C>T on transcript NM_003504.5 (MANE Select); coding-DNA position 1388, C replaced by T.
Protein change: p.Pro463Leu; replaces proline 463 with leucine.
Molecular consequence: missense variant.
Genome position (GRCh38, 1-based): chr22:19,514,996, C>T. VCF-style: chr22-19514996-C-T. GRCh37 (hg19) VCF-style: chr22-19502519-C-T.
Other names: c.1484C>T, p.Pro495Leu (NM_001178010.2); c.1250C>T, p.Pro417Leu (NM_001178011.2); c.1352C>T, p.Pro451Leu (NM_001369291.1); short protein forms P495L, P451L, P463L, P417L.
Identifiers: ClinVar variation 617938 (VCV000617938.10), dbSNP rs751663397, ClinGen allele CA10101428.
Genomic context (GRCh38, chr22:19,514,996, plus strand): 5'-TCGTCTGACCATCTGTCTCGCCTCCGCAGGGCACTCCAGATGTCATGCTGTTCTCTAGGC[C>T]GGCATCCCTAAGCCTGCTCAGCAAACACCTGCTCAAGTCCTTTGTGTGTTCGGTGAGGGG-3'
Protein context (NP_003495.1, residues 453-473): GTPDVMLFSR[Pro463Leu]ASLSLLSKHL